The following is an entry in ClinVar:

NM_000346.4(SOX9):c.1169G>C (p.Gly390Ala)

Gene: SOX9 (SRY-box transcription factor 9; plus strand). Cytogenetic location: 17q24.3.
Variant type: single nucleotide variant.
Coding change: c.1169G>C on transcript NM_000346.4 (MANE Select); coding-DNA position 1169, G replaced by C.
Protein change: p.Gly390Ala; replaces glycine 390 with alanine.
Molecular consequence: missense variant.
Genome position (GRCh38, 1-based): chr17:72,124,026, G>C. VCF-style: chr17-72124026-G-C. GRCh37 (hg19) VCF-style: chr17-70120167-G-C.
Other names: short protein forms G390A.
Identifiers: ClinVar variation 1579690 (VCV001579690.9), dbSNP rs750284138, ClinGen allele CA8739117.

ClinVar aggregate classification (germline): Conflicting classifications of pathogenicity. Review status: criteria provided, conflicting classifications (1 of 4 stars). 2 submissions from 2 submitters: Uncertain significance (1); Benign (1). Last evaluated 2026-05-11.

Conditions:
Camptomelic dysplasia (CMPD). Also called: Campomelic Dysplasia; CMPD1/SRA1. Identifiers: Orphanet 140, MedGen C1861922, MONDO:0007251, OMIM 114290.

Allele frequency attached by ClinVar (database versions not stated): ExAC 0.00001; TOPMed 0.00002; gnomAD 0.00003 and 0.00002; gnomAD exomes 0.00002 and 0.00001.

Submissions (2):

Women's Health and Genetics/Laboratory Corporation of America, LabCorp
Classification: Uncertain significance. Last evaluated: 2026-05-11. Review status: criteria provided, single submitter. Criteria: LabCorp Variant Classification Summary - May 2015. Collection method: clinical testing. Allele origin: germline.
Comment: Variant summary: SOX9 c.1169G>C (p.Gly390Ala) results in a non-conservative amino acid change in the encoded protein sequence. Algorithms developed to predict the effect of missense changes on protein structure and function are either unavailable or do not agree on the potential impact of this missense change. The variant allele was found at a frequency of 2.1e-05 in 241596 control chromosomes. The available data on variant occurrences in the general population are insufficient to allow any conclusion about variant significance. To our knowledge, no occurrence of c.1169G>C in individuals affected with SOX9-related conditions and no experimental evidence demonstrating its impact on protein function have been reported. ClinVar contains an entry for this variant (Variation ID: 1579690). Based on the evidence outlined above, the variant was classified as uncertain significance.

Labcorp Genetics (formerly Invitae), Labcorp
Classification: Benign for Camptomelic dysplasia. Last evaluated: 2025-02-27. Review status: criteria provided, single submitter. Criteria: Invitae Variant Classification Sherloc (09022015). Collection method: clinical testing. Allele origin: germline.